The following is an entry in ClinVar:

ClinVar aggregate classification (germline): Uncertain significance. Review status: criteria provided, multiple submitters, no conflicts (2 of 4 stars). 2 submissions from 2 submitters: Uncertain significance (2). Last evaluated 2024-07-03.

Conditions:
Cardiac arrhythmia. Also called: Arrhythmia; Cardiac rhythm disease. Identifiers: MedGen C0003811, MONDO:0007263, HP:0011675.
Long QT syndrome (LQTS). Identifiers: MedGen C0023976, MeSH D008133, MONDO:0002442. Disease mechanism: loss of function. Inheritance: Various modes of inheritance.

Submissions (2):

Labcorp Genetics (formerly Invitae), Labcorp
Classification: Uncertain significance for Long QT syndrome. Last evaluated: 2024-07-03. Review status: criteria provided, single submitter. Criteria: Invitae Variant Classification Sherloc (09022015). Collection method: clinical testing. Allele origin: germline.
Comment: This sequence change replaces proline, which is neutral and non-polar, with threonine, which is neutral and polar, at codon 310 of the KCNH2 protein (p.Pro310Thr). This variant is not present in population databases (gnomAD no frequency). This variant has not been reported in the literature in individuals affected with KCNH2-related conditions. ClinVar contains an entry for this variant (Variation ID: 925941). An algorithm developed to predict the effect of missense changes on protein structure and function (PolyPhen-2) suggests that this variant is likely to be tolerated. In summary, the available evidence is currently insufficient to determine the role of this variant in disease. Therefore, it has been classified as a Variant of Uncertain Significance.

Color Diagnostics, LLC DBA Color Health
Classification: Uncertain significance for Cardiac arrhythmia. Last evaluated: 2023-12-04. Review status: criteria provided, single submitter. Criteria: ACMG Guidelines, 2015. Collection method: clinical testing. Allele origin: germline.
Comment: Variant of Uncertain Significance due to insufficient evidence: This missense variant is located in the cytoplasmic domain of the KCNH2 protein. Computational prediction tools and conservation analyses are inconclusive regarding the impact of this variant on the protein function. Computational splicing tools suggest that this variant may not impact RNA splicing. To our knowledge, functional assays have not been performed for this variant nor has this variant been reported in individuals affected with cardiovascular disorders in the literature. This variant is rare in the general population and has been identified in 0/277264 chromosomes by the Genome Aggregation Database (gnomAD). Available evidence is insufficient to determine the pathogenicity of this variant conclusively.

NM_000238.4(KCNH2):c.928C>A (p.Pro310Thr)

Gene: KCNH2 (potassium voltage-gated channel subfamily H member 2; minus strand). Cytogenetic location: 7q36.1.
Variant type: single nucleotide variant.
Coding change: c.928C>A on transcript NM_000238.4 (MANE Select); coding-DNA position 928, C replaced by A.
Protein change: p.Pro310Thr; replaces proline 310 with threonine.
Molecular consequence: missense variant.
Genome position (GRCh38, 1-based): chr7:150,957,491, G>T on the plus strand (C>A on the coding strand, the complement: KCNH2 is on the minus strand). VCF-style: chr7-150957491-G-T. GRCh37 (hg19) VCF-style: chr7-150654579-G-T.
Other names: c.640C>A, p.Pro214Thr (NM_001406753.1, NM_001406756.1); c.751C>A, p.Pro251Thr (NM_001406755.1); c.628C>A, p.Pro210Thr (NM_001406757.1); c.928C>A, p.Pro310Thr (NM_172056.3); short protein forms P310T, P210T, P214T, P251T.
Identifiers: ClinVar variation 925941 (VCV000925941.10), dbSNP rs1801415549, ClinGen allele CA369861926.